The following is an entry in ClinVar:

NC_000001.10:g.(?_26784272)_(26784406_?)del

Gene: DHDDS (dehydrodolichyl diphosphate synthase subunit; plus strand). Cytogenetic location: 1p36.11.
Variant type: Deletion.
Identifiers: ClinVar variation 1525136 (VCV001525136.5).

ClinVar aggregate classification (germline): Likely pathogenic (1 of 4 stars; one submission).

Conditions:
Retinitis pigmentosa 59 (RP59). Identifiers: Orphanet 791, MedGen C3151227, MONDO:0013468, OMIM 613861.

Submission:

Labcorp Genetics (formerly Invitae), Labcorp
Classification: Likely pathogenic for Retinitis pigmentosa 59. Last evaluated: 2021-08-12. Review status: criteria provided, single submitter. Criteria: Invitae Variant Classification Sherloc (09022015). Collection method: clinical testing. Allele origin: germline.
Comment: This variant is a gross deletion of the genomic region encompassing exon(s) 7 of the DHDDS gene. While this deletion is not anticipated to lead to nonsense mediated decay, it is expected to disrupt the C-terminus of the protein. This variant has not been reported in the literature in individuals affected with DHDDS-related conditions. Experimental studies and prediction algorithms are not available or were not evaluated, and the functional significance of this variant is currently unknown. This variant disrupts the p.Thr206 amino acid residue in DHDDS. Other variant(s) that disrupt this residue have been determined to be pathogenic (PMID: 24078709, 28130426). This suggests that this residue is clinically significant, and that variants that disrupt this residue are likely to be disease-causing. In summary, the currently available evidence indicates that the variant is pathogenic, but additional data are needed to prove that conclusively. Therefore, this variant has been classified as Likely Pathogenic.

Literature cited by the submitters: PubMed 24078709; PubMed 28130426.